The following is an entry in ClinVar:

ClinVar aggregate classification (germline): Pathogenic (1 of 4 stars; one submission).

Conditions:
Primary pulmonary hypertension. Also called: Idiopathic pulmonary hypertension. Identifiers: MedGen C0152171.

Submission:

Labcorp Genetics (formerly Invitae), Labcorp
Classification: Pathogenic for Primary pulmonary hypertension. Last evaluated: 2024-09-24. Review status: criteria provided, single submitter. Criteria: Invitae Variant Classification Sherloc (09022015). Collection method: clinical testing. Allele origin: germline.
Comment: This sequence change creates a premature translational stop signal (p.Arg535Serfs*29) in the BMPR2 gene. It is expected to result in an absent or disrupted protein product. Loss-of-function variants in BMPR2 are known to be pathogenic (PMID: 16429395). This variant is not present in population databases (gnomAD no frequency). This premature translational stop signal has been observed in individual(s) with pulmonary arterial hypertension (PMID: 29631995). This variant is also known as c.1604delG. ClinVar contains an entry for this variant (Variation ID: 2151956). For these reasons, this variant has been classified as Pathogenic.

Literature cited by the submitters: PubMed 16429395; PubMed 29631995.

NM_001204.7(BMPR2):c.1605del (p.Arg535fs)

Gene: BMPR2 (bone morphogenetic protein receptor type 2; plus strand). Cytogenetic location: 2q33.2.
Variant type: Deletion.
Coding change: c.1605del on transcript NM_001204.7 (MANE Select); coding-DNA position 1605, one base deleted (G; older notation c.1605delG).
Protein change: p.Arg535fs; shifts the reading frame from arginine 535.
Molecular consequence: frameshift variant.
Genome position (GRCh38, 1-based): chr2:202,555,270, G deleted; the last of 2 consecutive G bases (chr2:202,555,269-202,555,270); deleting either gives the same sequence. VCF-style (leftmost placement, unchanged base first): chr2-202555268-AG-A. GRCh37 (hg19) VCF-style: chr2-203419991-AG-A.
Other names: short protein forms R535fs.
Identifiers: ClinVar variation 2151956 (VCV002151956.4), dbSNP rs2468741825, ClinGen allele CA2580065451.
Genomic context (GRCh38, chr2:202,555,268, plus strand): 5'-ATAAATGTACGTTCTCAATGTGATACTTTTTTTCTTTCTTTAAGCAACCTGTCACATAAT[AG>A]GCGTGTGCCAAAAATTGGTCCTTATCCAGATTATTCTTCCTCCTCATACATTGAAGACTC-3'